The following is an entry in ClinVar:

ClinVar aggregate classification (germline): Pathogenic. Review status: criteria provided, single submitter (1 of 4 stars). 2 submissions from 2 submitters: Pathogenic (1). 1 of the submissions does not count toward it. Last evaluated 2024-10-14.

Conditions:
Achromatopsia 3 (ACHM3). Also called: PINGELAPESE BLINDNESS; TOTAL COLORBLINDNESS WITH MYOPIA; ROD MONOCHROMACY 1; ROD MONOCHROMATISM 1; ACHROMATOPSIA WITH MYOPIA. Identifiers: Orphanet 49382, MedGen C1849792, MONDO:0009875, OMIM 262300.

gnomAD v4.1: 2 of 1,612,440 alleles (0.00012%); highest among the groups gnomAD compares: Non-Finnish European, 0.00017%; no homozygotes.

Submissions (2):

Women's Health and Genetics/Laboratory Corporation of America, LabCorp
Classification: Pathogenic for Achromatopsia 3. Last evaluated: 2024-10-14. Review status: criteria provided, single submitter. Criteria: LabCorp Variant Classification Summary - May 2015. Collection method: clinical testing. Allele origin: germline.
Comment: Variant summary: CNGB3 c.1194T>G (p.Tyr398X) results in a premature termination codon, predicted to cause a truncation of the encoded protein or absence of the protein due to nonsense mediated decay, which are commonly known mechanisms for disease. The variant was absent in 250900 control chromosomes. c.1194T>G has been reported in the literature in the compound heterozgous state in at least one individual affected with Achromatopsia (Mayer_2017). The following publication have been ascertained in the context of this evaluation (PMID: 28795510). ClinVar contains an entry for this variant (Variation ID: 427688). Based on the evidence outlined above, the variant was classified as pathogenic.

Molecular Genetics Laboratory, Institute for Ophthalmic Research
Classification: Pathogenic for ACHM3. Last evaluated: 2017-03-27. Review status: no assertion criteria provided. Collection method: research. Allele origin: unknown. Affected: yes. Not counted in ClinVar's aggregate classification.

Literature cited by the submitters: PubMed 28795510 (cited by Women's Health and Genetics/Laboratory Corporation of America, LabCorp and Molecular Genetics Laboratory, Institute for Ophthalmic Research).

NM_019098.5(CNGB3):c.1194T>G (p.Tyr398Ter)

Gene: CNGB3 (cyclic nucleotide gated channel subunit beta 3; minus strand). Cytogenetic location: 8q21.3.
Variant type: single nucleotide variant.
Coding change: c.1194T>G on transcript NM_019098.5 (MANE Select); coding-DNA position 1194, T replaced by G.
Protein change: p.Tyr398Ter; replaces tyrosine 398 with a stop codon.
Molecular consequence: nonsense.
Genome position (GRCh38, 1-based): chr8:86,632,878, A>C on the plus strand (T>G on the coding strand, the complement: CNGB3 is on the minus strand). VCF-style: chr8-86632878-A-C. GRCh37 (hg19) VCF-style: chr8-87645106-A-C.
Other names: short protein forms Y398*.
Identifiers: ClinVar variation 427688 (VCV000427688.2), dbSNP rs775038513, ClinGen allele CA371444510.